The following is an entry in ClinVar:

NM_001384732.1(CPLANE1):c.3130_3131insA (p.Arg1044fs)

Gene: CPLANE1 (ciliogenesis and planar polarity effector complex subunit 1; minus strand). Cytogenetic location: 5p13.2.
Variant type: Insertion.
Coding change: c.3130_3131insA on transcript NM_001384732.1 (MANE Select); coding-DNA positions 3130 to 3131, A inserted.
Protein change: p.Arg1044fs; shifts the reading frame from arginine 1044.
Molecular consequence: frameshift variant.
Genome position: GRCh38 VCF-style: chr5-37206215-C-CT. GRCh37 (hg19) VCF-style: chr5-37206317-C-CT.
Other names: c.3130_3131insA, p.Arg1044fs (NM_023073.4); short protein forms R1044fs.
Identifiers: ClinVar variation 217577 (VCV000217577.3), dbSNP rs863225161, ClinGen allele CA279505.

ClinVar aggregate classification (germline): Pathogenic. Review status: criteria provided, multiple submitters, no conflicts (2 of 4 stars). 3 submissions from 3 submitters: Pathogenic (3). Last evaluated 2023-09-03.

Conditions:
CPLANE1-related disorder. Also called: CPLANE1-related condition.
Orofaciodigital syndrome type 6 (OFD6). Also called: VARADI SYNDROME; VARADI-PAPP SYNDROME; Oral-facial-digital syndrome type 6; Central polydactyly cleft lip/palate or lingual lump and psychomotor retardation; Y-shaped central metacarpal and cerebellar defect; Joubert syndrome with orofacialdigital anomalies. Identifiers: Orphanet 2754, MedGen C2745997, MONDO:0010176, OMIM 277170.
Joubert syndrome 17 (JBTS17). Identifiers: Orphanet 475, MedGen C3553264, MONDO:0013824, OMIM 614615.

Allele frequency attached by ClinVar (database versions not stated): gnomAD exomes below 0.00001.

Submissions (3):

PreventionGenetics, part of Exact Sciences
Classification: Pathogenic for CPLANE1-related condition. Last evaluated: 2023-09-03. Review status: criteria provided, single submitter. Criteria: ACMG Guidelines, 2015. Collection method: clinical testing. Allele origin: germline.
Comment: The CPLANE1 c.3130_3131insA variant is predicted to result in a frameshift and premature protein termination (p.Arg1044Glnfs*2). This variant has been reported along with a pathogenic CPLANE 1 variant in an individual with Joubert syndrome (Table S5, Bachmann-Gagescu et al 2015. PubMed ID: 26092869;This variant has not been reported in a large population database, indicating this variant is rare. Frameshift variants in CPLANE1 are expected to be pathogenic. This variant is interpreted as pathogenic.

Fulgent Genetics
Classification: Pathogenic for Orofaciodigital syndrome type 6; Joubert syndrome 17. Last evaluated: 2021-09-29. Review status: criteria provided, single submitter. Criteria: ACMG Guidelines, 2015. Collection method: clinical testing. Allele origin: unknown.

UW Hindbrain Malformation Research Program, University of Washington
Classification: Pathogenic for Joubert syndrome 17. Last evaluated: 2015-02-23. Review status: criteria provided, single submitter. Criteria: Bachmann-Gagescu et al. (J Med Genet. 2015). Collection method: research. Allele origin: unknown. Affected: yes.